The following is an entry in ClinVar:

NM_174916.3(UBR1):c.495T>A (p.Asn165Lys)

Gene: UBR1 (ubiquitin protein ligase E3 component n-recognin 1; minus strand). Cytogenetic location: 15q15.2.
Variant type: single nucleotide variant.
Coding change: c.495T>A on transcript NM_174916.3 (MANE Select); coding-DNA position 495, T replaced by A.
Protein change: p.Asn165Lys; replaces asparagine 165 with lysine.
Molecular consequence: missense variant.
Genome position (GRCh38, 1-based): chr15:43,075,012, A>T on the plus strand (T>A on the coding strand, the complement: UBR1 is on the minus strand). VCF-style: chr15-43075012-A-T. GRCh37 (hg19) VCF-style: chr15-43367210-A-T.
Other names: short protein forms N165K.
Identifiers: ClinVar variation 2507972 (VCV002507972.4), dbSNP rs551627937, ClinGen allele CA7519015.
Genomic context (GRCh38, chr15:43,075,012, plus strand): 5'-CAATTTTTAACAAAATAGCATTCTTACCTCTTTTATAGTACCTGCTCTTCCAGGTTCATG[A>T]TTTACACAAAAAGGGCCAGTTTTCCATGCCTCTGTGTCTCCACAGTCACAGAACCCTCCT-3'
Protein context (NP_777576.1, residues 155-175): EAWKTGPFCV[Asn165Lys]HEPGRAGTIK

ClinVar aggregate classification (germline): Uncertain significance. Review status: criteria provided, multiple submitters, no conflicts (2 of 4 stars). 3 submissions from 3 submitters: Uncertain significance (2). 1 of the submissions does not count toward it. Last evaluated 2023-04-18.

Conditions:
UBR1-related disorder. Also called: UBR1-related condition.
Inborn genetic diseases. Identifiers: MedGen C0950123, MeSH D030342.
Johanson-Blizzard syndrome (JBS). Also called: Nasal alar hypoplasia, hypothyroidism, pancreatic achylia and congenital deafness. Identifiers: Orphanet 2315, MedGen C0175692, MONDO:0009479, OMIM 243800.

Allele frequency attached by ClinVar (database versions not stated): gnomAD exomes below 0.00001; TOPMed below 0.00001; gnomAD 0.00001; ExAC 0.00002; 1000 Genomes Project 0.00020; 1000 Genomes Project 30x 0.00031.
gnomAD v4.1: 7 of 1,614,092 alleles (0.00043%); highest among the groups gnomAD compares: East Asian, 0.016%; no homozygotes.

Submissions (3):

Ambry Genetics
Classification: Uncertain significance for Inborn genetic diseases. Last evaluated: 2023-04-18. Review status: criteria provided, single submitter. Criteria: Ambry Variant Classification Scheme 2023. Collection method: clinical testing. Allele origin: germline.

Department of Pathology and Laboratory Medicine, Sinai Health System
Classification: Uncertain significance for Johanson-Blizzard syndrome. Last evaluated: 2021-07-30. Review status: criteria provided, single submitter. Criteria: ACMG Guidelines, 2015. Collection method: research. Allele origin: germline.

PreventionGenetics, part of Exact Sciences
Classification: Uncertain significance for UBR1-related condition. Last evaluated: 2024-06-09. Review status: no assertion criteria provided. Collection method: clinical testing. Allele origin: germline. Not counted in ClinVar's aggregate classification.
Comment: The UBR1 c.495T>A variant is predicted to result in the amino acid substitution p.Asn165Lys. To our knowledge, this variant has not been reported in the literature. This variant is reported in 0.038% of alleles in individuals of East Asian descent in gnomAD. At this time, the clinical significance of this variant is uncertain due to the absence of conclusive functional and genetic evidence.